The following is an entry in ClinVar:

NM_002485.5(NBN):c.649G>A (p.Glu217Lys)

Gene: NBN (nibrin; minus strand). Cytogenetic location: 8q21.3.
Variant type: single nucleotide variant.
Coding change: c.649G>A on transcript NM_002485.5 (MANE Select); coding-DNA position 649, G replaced by A.
Protein change: p.Glu217Lys; replaces glutamic acid 217 with lysine.
Molecular consequence: missense variant.
Genome position (GRCh38, 1-based): chr8:89,971,226, C>T on the plus strand (G>A on the coding strand, the complement: NBN is on the minus strand). VCF-style: chr8-89971226-C-T. GRCh37 (hg19) VCF-style: chr8-90983454-C-T.
Other names: c.403G>A, p.Glu135Lys (NM_001024688.3); short protein forms E135K, E217K.
Identifiers: ClinVar variation 1338482 (VCV001338482.6), dbSNP rs760275251, ClinGen allele CA371659126.

ClinVar aggregate classification (germline): Uncertain significance. Review status: criteria provided, multiple submitters, no conflicts (2 of 4 stars). 2 submissions from 2 submitters: Uncertain significance (2). Last evaluated 2019-11-22.

Conditions:
Hereditary cancer-predisposing syndrome. Also called: Neoplastic Syndromes, Hereditary; Tumor predisposition; Hereditary Cancer Syndrome; Hereditary neoplastic syndrome. Identifiers: Orphanet 140162, MedGen C0027672, MeSH D009386, MONDO:0015356.

Submissions (2):

Ambry Genetics
Classification: Uncertain significance for Hereditary cancer-predisposing syndrome. Last evaluated: 2019-11-22. Review status: criteria provided, single submitter. Criteria: Ambry Variant Classification Scheme 2023. Collection method: clinical testing. Allele origin: germline.
Comment: The p.E217K variant (also known as c.649G>A), located in coding exon 6 of the NBN gene, results from a G to A substitution at nucleotide position 649. The glutamic acid at codon 217 is replaced by lysine, an amino acid with similar properties. This amino acid position is well conserved in available vertebrate species. In addition, this alteration is predicted to be tolerated by in silico analysis. Since supporting evidence is limited at this time, the clinical significance of this alteration remains unclear.

Genetic Services Laboratory, University of Chicago
Classification: Uncertain significance. Last evaluated: 2019-01-30. Review status: criteria provided, single submitter. Criteria: ACMG Guidelines, 2015. Collection method: clinical testing. Allele origin: germline. Affected: no.